The following is an entry in ClinVar:

NM_000051.4(ATM):c.497-4T>A

Gene: ATM (ATM serine/threonine kinase; plus strand). Cytogenetic location: 11q22.3.
Variant type: single nucleotide variant.
Coding change: c.497-4T>A on transcript NM_000051.4 (MANE Select); 4 bases into the intron before coding-DNA position 497, T replaced by A.
Molecular consequence: intron variant.
Genome position (GRCh38, 1-based): chr11:108,243,949, T>A. VCF-style: chr11-108243949-T-A. GRCh37 (hg19) VCF-style: chr11-108114676-T-A.
Other names: c.497-4T>A (NM_001351834.2).
Identifiers: ClinVar variation 232212 (VCV000232212.53), dbSNP rs876659621, ClinGen allele CA10578963.

ClinVar aggregate classification (germline): Conflicting classifications of pathogenicity. Review status: criteria provided, conflicting classifications (1 of 4 stars). 4 submissions from 4 submitters: Uncertain significance (2); Likely benign (2). Last evaluated 2026-01-10.

Conditions:
Hereditary cancer-predisposing syndrome. Also called: Neoplastic Syndromes, Hereditary; Hereditary Cancer Syndrome; Tumor predisposition; Hereditary neoplastic syndrome. Identifiers: Orphanet 140162, MedGen C0027672, MeSH D009386, MONDO:0015356.
Ataxia-telangiectasia syndrome (AT). Also called: Cerebello-oculocutaneous telangiectasia; Immunodeficiency with ataxia telangiectasia; Ataxia-telangiectasia, complementation group D; AT, COMPLEMENTATION GROUP C; Ataxia-telangiectasia, complementation group E; Ataxia-telangiectasia. Identifiers: Orphanet 100, MedGen C0004135, MONDO:0008840, OMIM 208900.

Allele frequency attached by ClinVar (database versions not stated): gnomAD exomes below 0.00001 and 0.00001.
gnomAD v4.1: 6 of 1,537,056 alleles (0.00039%); highest among the groups gnomAD compares: Non-Finnish European, 0.00044%; no homozygotes.

Submissions (4):

Labcorp Genetics (formerly Invitae), Labcorp
Classification: Likely benign for Ataxia-telangiectasia syndrome. Last evaluated: 2026-01-10. Review status: criteria provided, single submitter. Criteria: Invitae Variant Classification Sherloc (09022015). Collection method: clinical testing. Allele origin: germline.

Color Diagnostics, LLC DBA Color Health
Classification: Uncertain significance for Hereditary cancer-predisposing syndrome. Last evaluated: 2024-06-24. Review status: criteria provided, single submitter. Criteria: ACMG Guidelines, 2015. Collection method: clinical testing. Allele origin: germline.
Comment: This variant causes a T to A nucleotide substitution at the -4 position of intron 5 of the ATM gene. To our knowledge, RNA functional studies have not been reported for this variant. This variant has not been reported in individuals affected with hereditary cancer in the literature. This variant has been identified in 1/153518 chromosomes in the general population by the Genome Aggregation Database (gnomAD). The available evidence is insufficient to determine the role of this variant in disease conclusively. Therefore, this variant is classified as a Variant of Uncertain Significance.

CeGaT Center for Human Genetics Tuebingen
Classification: Uncertain significance. Last evaluated: 2022-02-01. Review status: criteria provided, single submitter. Criteria: CeGaT Center For Human Genetics Tuebingen Variant Classification Criteria Version 2. Collection method: clinical testing. Allele origin: germline. Affected: yes. Observed: 1 variant allele.

Ambry Genetics
Classification: Likely benign for Hereditary cancer-predisposing syndrome. Last evaluated: 2020-09-14. Review status: criteria provided, single submitter. Criteria: Ambry Variant Classification Scheme 2023. Collection method: clinical testing. Allele origin: germline.